The following is an entry in ClinVar:

NM_002471.4(MYH6):c.4885A>G (p.Ile1629Val)

Genes: MYH6 (myosin heavy chain 6; minus strand), LOC126861896 (BRD4-independent group 4 enhancer GRCh37_chr14:23854904-23856103; plus strand). Cytogenetic location: 14q11.2.
Variant type: single nucleotide variant.
Coding change: c.4885A>G on transcript NM_002471.4 (MANE Select); coding-DNA position 4885, A replaced by G.
Protein change: p.Ile1629Val; replaces isoleucine 1629 with valine.
Molecular consequence: missense variant.
Genome position (GRCh38, 1-based): chr14:23,386,389, T>C on the plus strand (A>G on the coding strand, the complement: MYH6 is on the minus strand). VCF-style: chr14-23386389-T-C. GRCh37 (hg19) VCF-style: chr14-23855598-T-C.
Other names: short protein forms I1629V.
Identifiers: ClinVar variation 2097190 (VCV002097190.4), dbSNP rs1891022876, ClinGen allele CA388991332.

ClinVar aggregate classification (germline): Uncertain significance (1 of 4 stars; one submission).

Conditions:
Hypertrophic cardiomyopathy 14. Identifiers: MedGen C2750467, MONDO:0013197, OMIM 613251.

Submission:

Labcorp Genetics (formerly Invitae), Labcorp
Classification: Uncertain significance for Hypertrophic cardiomyopathy 14. Last evaluated: 2022-02-12. Review status: criteria provided, single submitter. Criteria: Invitae Variant Classification Sherloc (09022015). Collection method: clinical testing. Allele origin: germline.
Comment: Algorithms developed to predict the effect of missense changes on protein structure and function are either unavailable or do not agree on the potential impact of this missense change (SIFT: "Tolerated"; PolyPhen-2: "Possibly Damaging"; Align-GVGD: "Class C0"). In summary, the available evidence is currently insufficient to determine the role of this variant in disease. Therefore, it has been classified as a Variant of Uncertain Significance. This variant is not present in population databases (gnomAD no frequency). This sequence change replaces isoleucine, which is neutral and non-polar, with valine, which is neutral and non-polar, at codon 1629 of the MYH6 protein (p.Ile1629Val). This variant has not been reported in the literature in individuals affected with MYH6-related conditions.